The following is an entry in ClinVar:

ClinVar aggregate classification (germline): Conflicting classifications of pathogenicity. Review status: criteria provided, conflicting classifications (1 of 4 stars). 7 submissions from 7 submitters: Uncertain significance (1); Benign (2); Likely benign (3). 1 of the submissions does not count toward it. Last evaluated 2026-01-31.

Conditions:
Hereditary cancer-predisposing syndrome. Also called: Tumor predisposition; Neoplastic Syndromes, Hereditary; Hereditary neoplastic syndrome; Hereditary Cancer Syndrome. Identifiers: Orphanet 140162, MedGen C0027672, MeSH D009386, MONDO:0015356.
Peutz-Jeghers syndrome (PJS). Also called: POLYPOSIS, HAMARTOMATOUS INTESTINAL; POLYPS-AND-SPOTS SYNDROME; Peutz-Jeghers polyposis; Periorificial lentiginosis syndrome. Identifiers: Orphanet 2869, MedGen C0031269, MeSH D010580, MONDO:0008280, OMIM 175200.

Submissions (7):

Labcorp Genetics (formerly Invitae), Labcorp
Classification: Benign for Peutz-Jeghers syndrome. Last evaluated: 2026-01-31. Review status: criteria provided, single submitter. Criteria: Invitae Variant Classification Sherloc (09022015). Collection method: clinical testing. Allele origin: germline.

Blueprint Genetics
Classification: Likely benign. Last evaluated: 2022-08-08. Review status: criteria provided, single submitter. Criteria: ACMG Guidelines, 2015. Collection method: clinical testing. Allele origin: germline.

Genome-Nilou Lab
Classification: Uncertain significance for Peutz-Jeghers syndrome. Last evaluated: 2021-07-15. Review status: criteria provided, single submitter. Criteria: ACMG Guidelines, 2015. Collection method: clinical testing. Allele origin: germline. Affected: no.

Sema4
Classification: Benign for Hereditary cancer-predisposing syndrome. Last evaluated: 2021-03-17. Review status: criteria provided, single submitter. Criteria: Sema4 Curation Guidelines. Collection method: curation. Allele origin: germline.

GeneDx
Classification: Likely benign. Last evaluated: 2017-09-18. Review status: criteria provided, single submitter. Criteria: GeneDx Variant Classification (06012015). Collection method: clinical testing. Allele origin: germline. Affected: yes.
Comment: This variant is considered likely benign or benign based on one or more of the following criteria: it is a conservative change, it occurs at a poorly conserved position in the protein, it is predicted to be benign by multiple in silico algorithms, and/or has population frequency not consistent with disease.

Color Diagnostics, LLC DBA Color Health
Classification: Likely benign for Hereditary cancer-predisposing syndrome. Last evaluated: 2016-06-20. Review status: criteria provided, single submitter. Criteria: ACMG Guidelines, 2015. Collection method: clinical testing. Allele origin: germline.

Counsyl
Classification: Uncertain significance for Peutz-Jeghers syndrome. Last evaluated: 2016-06-28. Review status: no assertion criteria provided. Collection method: clinical testing. Allele origin: unknown. Not counted in ClinVar's aggregate classification.

NM_000455.5(STK11):c.734+19dup

Gene: STK11 (serine/threonine kinase 11; plus strand). Cytogenetic location: 19p13.3.
Variant type: Duplication.
Coding change: c.734+19dup on transcript NM_000455.5 (MANE Select); 19 bases into the intron after coding-DNA position 734, one base duplicated (C; older notation c.734+19dupC).
Molecular consequence: intron variant.
Genome position (GRCh38, 1-based): chr19:1,220,736, C duplicated; the last of 7 consecutive C bases (chr19:1,220,730-1,220,736); duplicating any one gives the same sequence. VCF-style (leftmost placement, unchanged base first): chr19-1220729-G-GC. GRCh37 (hg19) VCF-style: chr19-1220728-G-GC.
Other names: c.734+19dupC (NM_000455.4); c.734+12_734+13insC (NM_000455.4).
Identifiers: ClinVar variation 182884 (VCV000182884.17), dbSNP rs730881962, ClinGen allele CA023255.